The following is an entry in ClinVar:

NM_213653.4(HJV):c.150_151delinsGTAT (p.Leu51fs)

Gene: HJV (hemojuvelin BMP co-receptor; minus strand). Cytogenetic location: 1q21.1.
Variant type: Indel.
Coding change: c.150_151delinsGTAT on transcript NM_213653.4 (MANE Select); coding-DNA positions 150 to 151, TC replaced by GTAT.
Protein change: p.Leu51fs; shifts the reading frame from leucine 51.
Molecular consequence: frameshift variant. On other transcripts: intron variant (3), 5 prime UTR variant (1).
Genome position (GRCh38, 1-based): chr1:146,019,681-146,019,682, GA replaced by ATAC on the plus strand (TC replaced by GTAT on the coding strand, the reverse complement: HJV is on the minus strand). VCF-style: chr1-146019681-GA-ATAC. GRCh37 (hg19) VCF-style: chr1-145415331-TC-GTAT.
Other names: c.-21-982_-21-981delinsGTAT (NM_213652.4); c.-22+16_-22+17delinsGTAT (NM_202004.4, NM_001316767.2); c.150_151delinsGTAT, p.Leu51fs (NM_001379352.1); c.-190_-189delinsGTAT (NM_145277.5); short protein forms L51fs.
Identifiers: ClinVar variation 4817166 (VCV004817166.1).

ClinVar aggregate classification (germline): Likely pathogenic (1 of 4 stars; one submission).

Conditions:
Hemochromatosis type 2A (HFE2A). Also called: Adult-Onset Hemochromatosis; HJV (HFE2)-Related Juvenile Hemochromatosis. Identifiers: Orphanet 79230, MedGen C1865614, MONDO:0011216, OMIM 602390.

Submission:

Natera, Inc.
Classification: Likely pathogenic for Hemochromatosis type 2A. Last evaluated: 2025-03-06. Review status: criteria provided, single submitter. Criteria: Natera Variant Classification Schema (03/2026). Collection method: clinical testing. Allele origin: germline.
Comment: The c.150_151delinsGTAT variant in HJV is a frameshift variant predicted to shift the reading frame beginning at codon 51 and leads to a stop codon 2 codons downstream. This variant is expected to result in nonsense mediated decay, truncation, or a dysfunctional protein product. This variant is rare in the general population with a frequency below the threshold expected for the associated phenotype(s). Given the available evidence, this variant is classified as Likely Pathogenic.